The following is an entry in ClinVar:

ClinVar aggregate classification (germline): Uncertain significance (3 of 4 stars; one submission).

Conditions:
Monogenic diabetes. Identifiers: Orphanet 183625, MedGen C3888631, MONDO:0015967.

Submission:

ClinGen Monogenic Diabetes Variant Curation Expert Panel
Classification: Uncertain significance for Monogenic diabetes. Last evaluated: 2026-06-24. Review status: reviewed by expert panel. Criteria: ClinGen Diabetes ACMG Specifications HNF1A V3.1.0. Collection method: curation. Allele origin: germline. Inheritance: Autosomal dominant inheritance.
Comment: The c.611T>A variant in the HNF1 homeobox A gene, HNF1A, causes an amino acid change of phenylalanine to tyrosine at codon 204 (p.(Phe204Tyr)) of NM_000545.8. This variant resides in an amino acid within the HNF1α DNA binding domain that directly binds DNA, which is defined as critical for the protein’s function by the ClinGen MDEP (PM1). This variant is predicted to be deleterious by computational evidence, with a REVEL score of 0.877, which is greater than the MDEP VCEP threshold of 0.70 (PP3). This variant is absent from gnomAD v4.1.0 (PM2_Supporting). This variant was identified in an individual with diabetes; however, the MODY probability is unable to be calculated due to lack of clinical information, so PP4 cannot be applied (PMID: 33852230). This variant segregated with diabetes with one informative meiosis in a single family; however, this does not meet the thresholds for PP1 set by the ClinGen MDEP (PMID: 33852230). In summary, c.611T>A meets the criteria to be classified as a variant of uncertain significance for monogenic diabetes. ACMG/AMP criteria applied, as specified by the ClinGen MDEP (specification version 3.1.0, approved 10/10/2025): PM1, PP3, PM2_Supporting.

Literature cited by the submitters: PubMed 33852230.

NM_000545.8(HNF1A):c.611T>A (p.Phe204Tyr)

Gene: HNF1A (HNF1 homeobox A; plus strand). Cytogenetic location: 12q24.31.
Variant type: single nucleotide variant.
Coding change: c.611T>A on transcript NM_000545.8 (MANE Select); coding-DNA position 611, T replaced by A.
Protein change: p.Phe204Tyr; replaces phenylalanine 204 with tyrosine.
Molecular consequence: missense variant.
Genome position (GRCh38, 1-based): chr12:120,993,604, T>A. VCF-style: chr12-120993604-T-A. GRCh37 (hg19) VCF-style: chr12-121431407-T-A.
Other names: NM_001306179.2:c.611T>A; c.611T>A, p.Phe204Tyr (NM_001306179.2, NM_001406915.1); short protein forms F204Y.
Identifiers: ClinVar variation 4856802 (VCV004856802.1).
Genomic context (GRCh38, chr12:120,993,604, plus strand): 5'-GGCTGATTGAAGAGCCCACAGGTGATGAGCTACCAACCAAGAAGGGGCGGAGGAACCGTT[T>A]CAAGTGGGGCCCAGCATCCCAGCAGATCCTGTTCCAGGCCTATGAGAGGCAGAAGAACCC-3'
Protein context (NP_000536.6, residues 194-214): LPTKKGRRNR[Phe204Tyr]KWGPASQQIL